The following is an entry in ClinVar:

ClinVar aggregate classification (germline): Uncertain significance (1 of 4 stars; one submission).

Conditions:
Cardiovascular phenotype. Identifiers: MedGen CN230736.

Submission:

Ambry Genetics
Classification: Uncertain significance for Cardiovascular phenotype. Last evaluated: 2024-05-26. Review status: criteria provided, single submitter. Criteria: Ambry Variant Classification Scheme 2023. Collection method: clinical testing. Allele origin: germline.
Comment: The p.M1394L variant (also known as c.4180A>C), located in coding exon 24 of the SCN10A gene, results from an A to C substitution at nucleotide position 4180. The methionine at codon 1394 is replaced by leucine, an amino acid with highly similar properties. This amino acid position is conserved. In addition, this alteration is predicted to be deleterious by in silico analysis. Based on the available evidence, the clinical significance of this variant remains unclear.

NM_006514.4(SCN10A):c.4180A>C (p.Met1394Leu)

Gene: SCN10A (sodium voltage-gated channel alpha subunit 10; minus strand). Cytogenetic location: 3p22.2.
Variant type: single nucleotide variant.
Coding change: c.4180A>C on transcript NM_006514.4 (MANE Select); coding-DNA position 4180, A replaced by C.
Protein change: p.Met1394Leu; replaces methionine 1394 with leucine.
Molecular consequence: missense variant.
Genome position (GRCh38, 1-based): chr3:38,709,579, T>G on the plus strand (A>C on the coding strand, the complement: SCN10A is on the minus strand). VCF-style: chr3-38709579-T-G. GRCh37 (hg19) VCF-style: chr3-38751070-T-G.
Other names: c.4177A>C, p.Met1393Leu (NM_001293306.2); c.3886A>C, p.Met1296Leu (NM_001293307.2); short protein forms M1393L, M1394L, M1296L.
Identifiers: ClinVar variation 3316526 (VCV003316526.1).